The following is an entry in ClinVar:

ClinVar aggregate classification (germline): Benign/Likely benign. Review status: criteria provided, multiple submitters, no conflicts (2 of 4 stars). 3 submissions from 3 submitters: Benign (1); Likely benign (2). Last evaluated 2024-03-11.

Conditions:
Hereditary cancer-predisposing syndrome. Also called: Hereditary Cancer Syndrome; Neoplastic Syndromes, Hereditary; Tumor predisposition; Hereditary neoplastic syndrome. Identifiers: Orphanet 140162, MedGen C0027672, MeSH D009386, MONDO:0015356.
Familial adenomatous polyposis 1 (FAP1). Also called: FAMILIAL ADENOMATOUS POLYPOSIS 1, ATTENUATED; POLYPOSIS, ADENOMATOUS INTESTINAL. Identifiers: MedGen C2713442, MONDO:0021056, OMIM 175100. Disease mechanism: loss of function.

Submissions (3):

Myriad Genetics, Inc.
Classification: Benign for Familial adenomatous polyposis 1. Last evaluated: 2024-03-11. Review status: criteria provided, single submitter. Criteria: Myriad Autosomal Dominant, Autosomal Recessive and X-Linked Classification Criteria (2023). Collection method: clinical testing. Allele origin: unknown.
Comment: This variant is considered benign. This variant is a silent/synonymous amino acid change and it is not expected to impact splicing.

Ambry Genetics
Classification: Likely benign for Hereditary cancer-predisposing syndrome. Last evaluated: 2022-05-27. Review status: criteria provided, single submitter. Criteria: Ambry Variant Classification Scheme 2023. Collection method: clinical testing. Allele origin: germline.

Labcorp Genetics (formerly Invitae), Labcorp
Classification: Likely benign for Familial adenomatous polyposis 1. Last evaluated: 2021-12-23. Review status: criteria provided, single submitter. Criteria: Invitae Variant Classification Sherloc (09022015). Collection method: clinical testing. Allele origin: germline.

NM_000038.6(APC):c.2331C>T (p.Asp777=)

Gene: APC (APC regulator of Wnt signaling pathway; plus strand). Cytogenetic location: 5q22.2.
Variant type: single nucleotide variant.
Coding change: c.2331C>T on transcript NM_000038.6 (MANE Select); coding-DNA position 2331, C replaced by T.
Protein change: p.Asp777=; no amino-acid change (aspartic acid 777 retained).
Molecular consequence: synonymous variant.
Genome position (GRCh38, 1-based): chr5:112,837,925, C>T. VCF-style: chr5-112837925-C-T. GRCh37 (hg19) VCF-style: chr5-112173622-C-T.
Other names: c.2331C>T, p.Asp777= (NM_001127510.3, NM_001354895.2); c.2277C>T, p.Asp759= (NM_001127511.3); c.2385C>T, p.Asp795= (NM_001354896.2); c.2361C>T, p.Asp787= (NM_001354897.2); c.2256C>T, p.Asp752= (NM_001354898.2); c.2247C>T, p.Asp749= (NM_001354899.2); c.2208C>T, p.Asp736= (NM_001354900.2); c.2154C>T, p.Asp718= (NM_001354901.2); and 5 more.
Identifiers: ClinVar variation 1532836 (VCV001532836.10), dbSNP rs1765155954, ClinGen allele CA445963368.